The following is an entry in ClinVar:

NM_012203.2(GRHPR):c.480dup (p.Leu161fs)

Gene: GRHPR (glyoxylate and hydroxypyruvate reductase; plus strand). Cytogenetic location: 9p13.2.
Variant type: Duplication.
Coding change: c.480dup on transcript NM_012203.2 (MANE Select); coding-DNA position 480, one base duplicated (G; older notation c.480dupG).
Protein change: p.Leu161fs; shifts the reading frame from leucine 161.
Molecular consequence: frameshift variant.
Genome position (GRCh38, 1-based): chr9:37,428,559, G duplicated; the last of 3 consecutive G bases (chr9:37,428,557-37,428,559); duplicating any one gives the same sequence. VCF-style (leftmost placement, unchanged base first): chr9-37428556-C-CG. GRCh37 (hg19) VCF-style: chr9-37428553-C-CG.
Other names: short protein forms L161fs.
Identifiers: ClinVar variation 5011934 (VCV005011934.1).

ClinVar aggregate classification (germline): Pathogenic (1 of 4 stars; one submission).

Conditions:
Primary hyperoxaluria, type II (HP2). Also called: D-GLYCERATE DEHYDROGENASE DEFICIENCY; GLYCERIC ACIDURIA; GLYOXYLATE REDUCTASE/HYDROXYPYRUVATE REDUCTASE DEFICIENCY; OXALOSIS II; Primary hyperoxaluria type 2. Identifiers: Orphanet 416, Orphanet 93599, MedGen C0268165, MONDO:0009824, OMIM 260000. Disease mechanism: loss of function.

Submission:

Myriad Genetics, Inc.
Classification: Pathogenic for Primary hyperoxaluria, type II. Last evaluated: 2023-09-27. Review status: criteria provided, single submitter. Criteria: Myriad Autosomal Dominant, Autosomal Recessive and X-Linked Classification Criteria (2023). Collection method: clinical testing. Allele origin: unknown.
Comment: NM_012203.1(GRHPR):c.480dupG(L161Afs*30) is expected to be pathogenic in the context of primary hyperoxaluria type 2. This variant is predicted to lead to an abnormal or absent protein product due to the creation of a premature termination codon in GRHPR, a gene where loss-of-function variants are known to be pathogenic. Please note: this variant was assessed in the context of healthy population screening.